The following is an entry in ClinVar:

NM_003482.4(KMT2D):c.13714A>G (p.Asn4572Asp)

Gene: KMT2D (lysine methyltransferase 2D; minus strand). Cytogenetic location: 12q13.12.
Variant type: single nucleotide variant.
Coding change: c.13714A>G on transcript NM_003482.4 (MANE Select); coding-DNA position 13714, A replaced by G.
Protein change: p.Asn4572Asp; replaces asparagine 4572 with aspartic acid.
Molecular consequence: missense variant.
Genome position (GRCh38, 1-based): chr12:49,030,726, T>C on the plus strand (A>G on the coding strand, the complement: KMT2D is on the minus strand). VCF-style: chr12-49030726-T-C. GRCh37 (hg19) VCF-style: chr12-49424509-T-C.
Other names: short protein forms N4572D.
Identifiers: ClinVar variation 2753862 (VCV002753862.3), dbSNP rs2498345348, ClinGen allele CA384702593.

ClinVar aggregate classification (germline): Uncertain significance (1 of 4 stars; one submission).

Conditions:
Kabuki syndrome. Also called: NIIKAWA-KUROKI SYNDROME; Kabuki make-up syndrome. Identifiers: Orphanet 2322, MedGen C0796004, MONDO:0016512.

Submission:

Labcorp Genetics (formerly Invitae), Labcorp
Classification: Uncertain significance for Kabuki syndrome. Last evaluated: 2023-08-18. Review status: criteria provided, single submitter. Criteria: Invitae Variant Classification Sherloc (09022015). Collection method: clinical testing. Allele origin: germline.
Comment: This sequence change replaces asparagine, which is neutral and polar, with aspartic acid, which is acidic and polar, at codon 4572 of the KMT2D protein (p.Asn4572Asp). This variant is not present in population databases (gnomAD no frequency). This variant has not been reported in the literature in individuals affected with KMT2D-related conditions. Advanced modeling of protein sequence and biophysical properties (such as structural, functional, and spatial information, amino acid conservation, physicochemical variation, residue mobility, and thermodynamic stability) performed at Invitae indicates that this missense variant is not expected to disrupt KMT2D protein function. In summary, the available evidence is currently insufficient to determine the role of this variant in disease. Therefore, it has been classified as a Variant of Uncertain Significance.